The following is an entry in ClinVar:

ClinVar aggregate classification (germline): Uncertain significance (0 of 4 stars; one submission).

Conditions:
RNF213-related disorder. Also called: RNF213-related condition.

gnomAD v4.1: 22 of 1,612,816 alleles (0.0014%); highest among the groups gnomAD compares: East Asian, 0.033%; no homozygotes.

Submission:

PreventionGenetics, part of Exact Sciences
Classification: Uncertain significance for RNF213-related condition. Last evaluated: 2024-06-19. Review status: no assertion criteria provided. Collection method: clinical testing. Allele origin: germline.
Comment: The RNF213 c.2852A>G variant is predicted to result in the amino acid substitution p.His951Arg. To our knowledge, this variant has not been reported in the literature. This variant is reported in 0.016% of alleles in individuals of East Asian descent in gnomAD. At this time, the clinical significance of this variant is uncertain due to the absence of conclusive functional and genetic evidence.

NM_001256071.3(RNF213):c.2852A>G (p.His951Arg)

Gene: RNF213 (ring finger protein 213; plus strand). Cytogenetic location: 17q25.3.
Variant type: single nucleotide variant.
Coding change: c.2852A>G on transcript NM_001256071.3 (MANE Select); coding-DNA position 2852, A replaced by G.
Protein change: p.His951Arg; replaces histidine 951 with arginine.
Molecular consequence: missense variant.
Genome position (GRCh38, 1-based): chr17:80,317,228, A>G. VCF-style: chr17-80317228-A-G. GRCh37 (hg19) VCF-style: chr17-78291028-A-G.
Other names: c.2999A>G, p.His1000Arg (NM_001410195.1, NM_020914.5); c.2852A>G, p.His951Arg (NM_020954.4); short protein forms H1000R, H951R.
Identifiers: ClinVar variation 3352275 (VCV003352275.1).